The following is an entry in ClinVar:

NM_002180.3(IGHMBP2):c.4G>A (p.Ala2Thr)

Gene: IGHMBP2 (immunoglobulin mu DNA binding protein 2; plus strand). Cytogenetic location: 11q13.3.
Variant type: single nucleotide variant.
Coding change: c.4G>A on transcript NM_002180.3 (MANE Select); coding-DNA position 4, G replaced by A.
Protein change: p.Ala2Thr; replaces alanine 2 with threonine.
Molecular consequence: missense variant.
Genome position (GRCh38, 1-based): chr11:68,903,956, G>A. VCF-style: chr11-68903956-G-A. GRCh37 (hg19) VCF-style: chr11-68671424-G-A.
Other names: short protein forms A2T.
Identifiers: ClinVar variation 917101 (VCV000917101.3), dbSNP rs778232785, ClinGen allele CA6153159.

ClinVar aggregate classification (germline): Uncertain significance. Review status: criteria provided, multiple submitters, no conflicts (2 of 4 stars). 2 submissions from 2 submitters: Uncertain significance (2). Last evaluated 2021-03-11.

Conditions:
Inborn genetic diseases. Identifiers: MedGen C0950123, MeSH D030342.
Charcot-Marie-Tooth disease. Also called: Charcot-Marie-Tooth Hereditary Neuropathy; Charcot-Marie-Tooth Neuropathy. Identifiers: Orphanet 166, MedGen C0007959, MONDO:0015626.

Allele frequency attached by ClinVar (database versions not stated): ExAC 0.00018.
gnomAD v4.1: 33 of 1,566,354 alleles (0.0021%); highest among the groups gnomAD compares: South Asian, 0.033%; no homozygotes.

Submissions (2):

Ambry Genetics
Classification: Uncertain significance for Inborn genetic diseases. Last evaluated: 2021-03-11. Review status: criteria provided, single submitter. Criteria: Ambry Variant Classification Scheme 2023. Collection method: clinical testing. Allele origin: germline.
Comment: The p.A2T variant (also known as c.4G>A), located in coding exon 1 of the IGHMBP2 gene, results from a G to A substitution at nucleotide position 4. The alanine at codon 2 is replaced by threonine, an amino acid with similar properties. This amino acid position is highly conserved in available vertebrate species. In addition, the in silico prediction for this alteration is inconclusive. Since supporting evidence is limited at this time, the clinical significance of this alteration remains unclear.

Molecular Genetics Laboratory, London Health Sciences Centre
Classification: Uncertain significance for Charcot-Marie-Tooth disease. Review status: criteria provided, single submitter. Criteria: ACMG Guidelines, 2015. Collection method: clinical testing. Allele origin: germline. Affected: yes.